The following is an entry in ClinVar:

ClinVar aggregate classification (germline): Pathogenic (1 of 4 stars; one submission).

Conditions:
Inborn genetic diseases. Identifiers: MedGen C0950123, MeSH D030342.

Submission:

Ambry Genetics
Classification: Pathogenic for Inborn genetic diseases. Last evaluated: 2025-10-09. Review status: criteria provided, single submitter. Criteria: Ambry Variant Classification Scheme 2023. Collection method: clinical testing. Allele origin: germline.
Comment: The c.6878delA (p.N2293Ifs*40) alteration, located in exon 29 (coding exon 29) of the ANKRD17 gene, consists of a deletion of one nucleotide at position 6878, causing a translational frameshift with a predicted alternate stop codon after 40 amino acids. This alteration is expected to result in loss of function by premature protein truncation or nonsense-mediated mRNA decay. This variant was not reported in population-based cohorts in the Genome Aggregation Database (gnomAD). Based on the available evidence, this alteration is classified as pathogenic.

NM_032217.5(ANKRD17):c.6878del (p.Asn2293fs)

Gene: ANKRD17 (ankyrin repeat domain 17; minus strand). Cytogenetic location: 4q13.3.
Variant type: Deletion.
Coding change: c.6878del on transcript NM_032217.5 (MANE Select); coding-DNA position 6878, one base deleted (A; older notation c.6878delA).
Protein change: p.Asn2293fs; shifts the reading frame from asparagine 2293.
Molecular consequence: frameshift variant.
Genome position (GRCh38, 1-based): chr4:73,090,750, T deleted on the plus strand (A on the coding strand, the reverse complement: ANKRD17 is on the minus strand); the first of 3 consecutive T bases (chr4:73,090,750-73,090,752); deleting any one gives the same sequence. VCF-style (leftmost placement, unchanged base first): chr4-73090749-AT-A. GRCh37 (hg19) VCF-style: chr4-73956466-AT-A.
Other names: c.6539del, p.Asn2180fs (NM_001286771.3); c.6875del, p.Asn2292fs (NM_015574.2); c.6125del, p.Asn2042fs (NM_198889.3); short protein forms N2042fs, N2180fs, N2293fs, N2292fs.
Identifiers: ClinVar variation 4578445 (VCV004578445.1).